The following is an entry in ClinVar:

ClinVar aggregate classification (germline): Uncertain significance (1 of 4 stars; one submission).

Conditions:
Von Hippel-Lindau syndrome (VHLS). Also called: VHL syndrome; Von Hippel-Lindau; von Hippel–Lindau syndrome. Identifiers: Orphanet 892, MedGen C0019562, MONDO:0008667, OMIM 193300. Disease mechanism: loss of function.
Chuvash polycythemia. Also called: POLYCYTHEMIA, VHL-DEPENDENT. Identifiers: Orphanet 238557, MedGen C1837915, MONDO:0009892, OMIM 263400.

Submission:

Labcorp Genetics (formerly Invitae), Labcorp
Classification: Uncertain significance for Von Hippel-Lindau syndrome; Chuvash polycythemia. Last evaluated: 2022-04-16. Review status: criteria provided, single submitter. Criteria: Invitae Variant Classification Sherloc (09022015). Collection method: clinical testing. Allele origin: germline.
Comment: In summary, the available evidence is currently insufficient to determine the role of this variant in disease. Therefore, it has been classified as a Variant of Uncertain Significance. Algorithms developed to predict the effect of sequence changes on RNA splicing suggest that this variant is not likely to affect RNA splicing. This variant has not been reported in the literature in individuals affected with VHL-related conditions. This variant is not present in population databases (gnomAD no frequency). This sequence change falls in intron 1 of the VHL gene. It is not expected to change the encoded amino acid sequence of the VHL protein. However, this sequence change falls within a cryptic exon in the VHL gene, known as exon E1’, which is naturally expressed at low levels in several human tissues (PMID: 29891534).

Literature cited by the submitters: PubMed 29891534.

NM_000551.4(VHL):c.340+654A>G

Genes: VHL (von Hippel-Lindau tumor suppressor; plus strand), LOC107303340 (3p25 von Hippel-Lindau tumor suppressor, E3 ubiquitin protein ligase Alu-mediated recombination region; plus strand). Cytogenetic location: 3p25.3.
Variant type: single nucleotide variant.
Coding change: c.340+654A>G on transcript NM_000551.4 (MANE Select); 654 bases into the intron after coding-DNA position 340, A replaced by G.
Molecular consequence: intron variant. On other transcripts: missense variant (1).
Genome position (GRCh38, 1-based): chr3:10,142,841, A>G. VCF-style: chr3-10142841-A-G. GRCh37 (hg19) VCF-style: chr3-10184525-A-G.
Other names: c.419A>G, p.Asp140Gly (NM_001354723.2); c.340+654A>G (NM_198156.3); short protein forms D140G.
Identifiers: ClinVar variation 2117438 (VCV002117438.4), dbSNP rs2470160003, ClinGen allele CA2580068427.